The following is an entry in ClinVar:

ClinVar aggregate classification (germline): Conflicting classifications of pathogenicity. Review status: criteria provided, conflicting classifications (1 of 4 stars). 3 submissions from 3 submitters: Likely pathogenic (2); Uncertain significance (1). Last evaluated 2026-05-14.

Conditions:
Autosomal recessive nonsyndromic hearing loss 8 (DFNB8). Also called: NEUROSENSORY NONSYNDROMIC RECESSIVE DEAFNESS 8; Deafness, autosomal recessive 10. Identifiers: Orphanet 90636, MedGen C1832827, MONDO:0010987, OMIM 601072.

Allele frequency attached by ClinVar (database versions not stated): gnomAD exomes below 0.00001; ExAC 0.00002.
gnomAD v4.1: 6 of 1,613,762 alleles (0.00037%); highest among the groups gnomAD compares: Non-Finnish European, 0.00042%; no homozygotes.

Submissions (3):

Women's Health and Genetics/Laboratory Corporation of America, LabCorp
Classification: Likely pathogenic for Autosomal recessive nonsyndromic hearing loss 8. Last evaluated: 2026-05-14. Review status: criteria provided, single submitter. Criteria: LabCorp Variant Classification Summary - May 2015. Collection method: clinical testing. Allele origin: germline.
Comment: Variant summary: TMPRSS3 c.1291C>T (p.Pro431Ser) results in a non-conservative amino acid change in the encoded protein sequence. Algorithms developed to predict the effect of missense changes on protein structure and function all suggest that this variant is likely to be disruptive. The variant allele was found at a frequency of 2.4e-05 in 251380 control chromosomes. c.1291C>T has been observed in the compound heterozygous state in at least 2 related individual(s) affected with Deafness, Autosomal Recessive 8 (example, Vozzi_2014). These data indicate that the variant may be associated with disease. To our knowledge, no experimental evidence demonstrating an impact on protein function has been reported. Internally validated machine learning-based Evidence Modeling of protein sequence and biophysical properties (such as structural, functional, and spatial information, amino acid conservation, physicochemical variation, residue mobility, and thermodynamic stability) indicates that this missense variant is expected to disrupt protein function with a positive predictive value of at least 95%. The following publication has been ascertained in the context of this evaluation (PMID: 24657061). ClinVar contains an entry for this variant (Variation ID: 2736990). Based on the evidence outlined above, the variant was classified as likely pathogenic.

GeneDx
Classification: Uncertain significance. Last evaluated: 2025-03-06. Review status: criteria provided, single submitter. Criteria: GeneDx Variant Classification Process June 2021. Collection method: clinical testing. Allele origin: germline. Affected: yes.
Comment: Not observed at significant frequency in large population cohorts (gnomAD); In silico analysis supports that this missense variant has a deleterious effect on protein structure/function; This variant is associated with the following publications: (PMID: 24657061)

Labcorp Genetics (formerly Invitae), Labcorp
Classification: Likely pathogenic. Last evaluated: 2023-09-09. Review status: criteria provided, single submitter. Criteria: Invitae Variant Classification Sherloc (09022015). Collection method: clinical testing. Allele origin: germline.
Comment: Advanced modeling of protein sequence and biophysical properties (such as structural, functional, and spatial information, amino acid conservation, physicochemical variation, residue mobility, and thermodynamic stability) performed at Invitae indicates that this missense variant is expected to disrupt TMPRSS3 protein function. In summary, the currently available evidence indicates that the variant is pathogenic, but additional data are needed to prove that conclusively. Therefore, this variant has been classified as Likely Pathogenic. This missense change has been observed in individual(s) with deafness (PMID: 24657061). It has also been observed to segregate with disease in related individuals. This variant is present in population databases (rs767931569, gnomAD 0.004%). This sequence change replaces proline, which is neutral and non-polar, with serine, which is neutral and polar, at codon 431 of the TMPRSS3 protein (p.Pro431Ser).

Literature cited by the submitters: PubMed 24657061 (cited by Women's Health and Genetics/Laboratory Corporation of America, LabCorp and Labcorp Genetics (formerly Invitae), Labcorp).

NM_001256317.3(TMPRSS3):c.1288C>T (p.Pro430Ser)

Gene: TMPRSS3 (transmembrane serine protease 3; minus strand). Cytogenetic location: 21q22.3.
Variant type: single nucleotide variant.
Coding change: c.1288C>T on transcript NM_001256317.3 (MANE Select); coding-DNA position 1288, C replaced by T.
Protein change: p.Pro430Ser; replaces proline 430 with serine.
Molecular consequence: missense variant.
Genome position (GRCh38, 1-based): chr21:42,375,772, G>A on the plus strand (C>T on the coding strand, the complement: TMPRSS3 is on the minus strand). VCF-style: chr21-42375772-G-A. GRCh37 (hg19) VCF-style: chr21-43795881-G-A.
Other names: c.1291C>T, p.Pro431Ser (NM_024022.4); c.910C>T, p.Pro304Ser (NM_032404.3); c.1291C>T (NM_024022.2); short protein forms P431S, P430S, P304S.
Identifiers: ClinVar variation 2736990 (VCV002736990.5), dbSNP rs767931569, ClinGen allele CA10042258.